The following is an entry in ClinVar:

ClinVar aggregate classification (germline): Uncertain significance. Review status: criteria provided, multiple submitters, no conflicts (2 of 4 stars). 7 submissions from 7 submitters: Uncertain significance (7). Last evaluated 2026-05-20.

Conditions:
LRSAM1-related disorder. Also called: LRSAM1-related condition.
Charcot-Marie-Tooth disease axonal type 2P. Also called: Charcot-Marie-Tooth Neuropathy Type 2G; CHARCOT-MARIE-TOOTH NEUROPATHY, TYPE 2P; CHARCOT-MARIE-TOOTH DISEASE, AXONAL, TYPE 2G; CMT 2G. Identifiers: Orphanet 300319, Orphanet 99941, MedGen C3280797, MONDO:0013753, OMIM 614436.
Inborn genetic diseases. Identifiers: MedGen C0950123, MeSH D030342.

Allele frequency attached by ClinVar (database versions not stated): gnomAD exomes 0.00002 and 0.00006; ExAC 0.00003; gnomAD 0.00003; TOPMed 0.00005.
gnomAD v4.1: 86 of 1,613,094 alleles (0.0053%); highest among the groups gnomAD compares: Non-Finnish European, 0.0066%; no homozygotes.

Submissions (7):

PreventionGenetics, part of Exact Sciences
Classification: Uncertain significance for LRSAM1-related condition. Last evaluated: 2026-05-20. Review status: criteria provided, single submitter. Criteria: ACMG Guidelines, 2015. Collection method: clinical testing. Allele origin: germline.
Comment: The LRSAM1 c.1498C>T variant is predicted to result in the amino acid substitution p.Leu500Phe. To our knowledge, this variant has not been reported in the literature. This variant is reported in 0.0054% of alleles in individuals of European (non-Finnish) descent in gnomAD. At this time, the clinical significance of this variant is uncertain due to the absence of conclusive functional and genetic evidence.

Women's Health and Genetics/Laboratory Corporation of America, LabCorp
Classification: Uncertain significance. Last evaluated: 2026-03-23. Review status: criteria provided, single submitter. Criteria: LabCorp Variant Classification Summary - May 2015. Collection method: clinical testing. Allele origin: germline.
Comment: Variant summary: LRSAM1 c.1498C>T (p.Leu500Phe) results in a non-conservative amino acid change in the encoded protein sequence. Algorithms developed to predict the effect of missense changes on protein structure and function are either unavailable or do not agree on the potential impact of this missense change. The variant allele was found at a frequency of 2.4e-05 in 250736 control chromosomes. The available data on variant occurrences in the general population are insufficient to allow any conclusion about variant significance. To our knowledge, no occurrence of c.1498C>T in individuals affected with LRSAM1-related conditions and no experimental evidence demonstrating its impact on protein function have been reported. ClinVar contains an entry for this variant (Variation ID: 665817). Based on the evidence outlined above, the variant was classified as uncertain significance.

Ambry Genetics
Classification: Uncertain significance for Inborn genetic diseases. Last evaluated: 2025-03-07. Review status: criteria provided, single submitter. Criteria: Ambry Variant Classification Scheme 2023. Collection method: clinical testing. Allele origin: germline.

Labcorp Genetics (formerly Invitae), Labcorp
Classification: Uncertain significance for Charcot-Marie-Tooth disease axonal type 2P. Last evaluated: 2024-10-21. Review status: criteria provided, single submitter. Criteria: Invitae Variant Classification Sherloc (09022015). Collection method: clinical testing. Allele origin: germline.
Comment: This sequence change replaces leucine, which is neutral and non-polar, with phenylalanine, which is neutral and non-polar, at codon 500 of the LRSAM1 protein (p.Leu500Phe). This variant is present in population databases (rs749192098, gnomAD 0.005%). This variant has not been reported in the literature in individuals affected with LRSAM1-related conditions. ClinVar contains an entry for this variant (Variation ID: 665817). An algorithm developed to predict the effect of missense changes on protein structure and function (PolyPhen-2) suggests that this variant is likely to be disruptive. In summary, the available evidence is currently insufficient to determine the role of this variant in disease. Therefore, it has been classified as a Variant of Uncertain Significance.

Department of Pathology and Laboratory Medicine, Sinai Health System
Classification: Uncertain significance for Charcot-Marie-Tooth disease axonal type 2P. Last evaluated: 2023-01-13. Review status: criteria provided, single submitter. Criteria: ACMG Guidelines, 2015. Collection method: research. Allele origin: germline.

GeneDx
Classification: Uncertain significance. Last evaluated: 2022-02-23. Review status: criteria provided, single submitter. Criteria: GeneDx Variant Classification Process June 2021. Collection method: clinical testing. Allele origin: germline. Affected: yes.
Comment: In silico analysis supports that this missense variant does not alter protein structure/function; Has not been previously published as pathogenic or benign to our knowledge

Baylor Genetics
Classification: Uncertain significance for Charcot-Marie-Tooth disease axonal type 2P. Last evaluated: 2020-01-22. Review status: criteria provided, single submitter. Criteria: ACMG Guidelines, 2015. Collection method: clinical testing. Allele origin: unknown. Affected: yes.
Comment: This variant was determined to be of uncertain significance according to ACMG Guidelines, 2015 [PMID:25741868].

NM_001005373.4(LRSAM1):c.1498C>T (p.Leu500Phe)

Gene: LRSAM1 (leucine rich repeat and sterile alpha motif containing 1; plus strand). Cytogenetic location: 9q33.3.
Variant type: single nucleotide variant.
Coding change: c.1498C>T on transcript NM_001005373.4 (MANE Select); coding-DNA position 1498, C replaced by T.
Protein change: p.Leu500Phe; replaces leucine 500 with phenylalanine.
Molecular consequence: missense variant. On other transcripts: non-coding transcript variant (2), intron variant (1).
Genome position (GRCh38, 1-based): chr9:127,491,290, C>T. VCF-style: chr9-127491290-C-T. GRCh37 (hg19) VCF-style: chr9-130253569-C-T.
Other names: c.1498C>T, p.Leu500Phe (NM_001005374.4, NM_001384142.1, NM_001384143.1 and 1 more transcripts); c.709C>T, p.Leu237Phe (NM_001384144.1); c.1423-1512C>T (NM_001190723.3); c.1498C>T (NM_138361.4); short protein forms L500F, L237F.
Identifiers: ClinVar variation 665817 (VCV000665817.15), dbSNP rs749192098, ClinGen allele CA5247008.